The following is an entry in ClinVar:

ClinVar aggregate classification (germline): Uncertain significance (1 of 4 stars; one submission).

Submission:

Ambry Genetics
Classification: Uncertain significance. Last evaluated: 2024-12-21. Review status: criteria provided, single submitter. Criteria: Ambry Variant Classification Scheme 2023. Collection method: clinical testing. Allele origin: germline.
Comment: The p.G226C variant (also known as c.676G>T), located in coding exon 3 of the GFI1 gene, results from a G to T substitution at nucleotide position 676. The glycine at codon 226 is replaced by cysteine, an amino acid with highly dissimilar properties. This amino acid position is conserved. In addition, this alteration is predicted to be tolerated by in silico analysis. Based on the available evidence, the clinical significance of this variant remains unclear.

NM_005263.5(GFI1):c.676G>T (p.Gly226Cys)

Gene: GFI1 (growth factor independent 1 transcriptional repressor; minus strand). Cytogenetic location: 1p22.1.
Variant type: single nucleotide variant.
Coding change: c.676G>T on transcript NM_005263.5 (MANE Select); coding-DNA position 676, G replaced by T.
Protein change: p.Gly226Cys; replaces glycine 226 with cysteine.
Molecular consequence: missense variant.
Genome position (GRCh38, 1-based): chr1:92,480,711, C>A on the plus strand (G>T on the coding strand, the complement: GFI1 is on the minus strand). VCF-style: chr1-92480711-C-A. GRCh37 (hg19) VCF-style: chr1-92946268-C-A.
Other names: c.676G>T, p.Gly226Cys (NM_001127215.3, NM_001127216.3); short protein forms G226C.
Identifiers: ClinVar variation 3853665 (VCV003853665.1).
Genomic context (GRCh38, chr1:92,480,711, plus strand): 5'-TGCACAGCAGCTCCGACTCCACCTTGACGCCAGCGCCCTTGTCTGCGTGCAGCCCGTGGC[C>A]ACGCTCGGGGTACAGCAAGCCCGCCGCTGCCGTGGGCCTCTCATACAGCCCGGCTGCCGC-3'
Protein context (NP_005254.2, residues 216-236): AAAGLLYPER[Gly226Cys]HGLHADKGAG